The following is an entry in ClinVar:

NM_022455.5(NSD1):c.3796+4A>C

Gene: NSD1 (nuclear receptor binding SET domain protein 1; plus strand). Cytogenetic location: 5q35.3.
Variant type: single nucleotide variant.
Coding change: c.3796+4A>C on transcript NM_022455.5 (MANE Select); 4 bases into the intron after coding-DNA position 3796, A replaced by C.
Molecular consequence: intron variant.
Genome position (GRCh38, 1-based): chr5:177,212,199, A>C. VCF-style: chr5-177212199-A-C. GRCh37 (hg19) VCF-style: chr5-176639200-A-C.
Other names: c.3796+4A>C (NM_001409301.1, NM_001409302.1, NM_001409303.1); c.3376+4A>C (NM_001409304.1); c.3043+4A>C (NM_001409305.1); c.2923+4A>C (NM_001409306.1, NM_001409308.1, NM_001409307.1 and 3 more transcripts).
Identifiers: ClinVar variation 3672607 (VCV003672607.2).
Genomic context (GRCh38, chr5:177,212,199, plus strand): 5'-TGGAAAAGGAGCCAGGAATTCCCAGTTTGACACCACAGGCTGAGCTCCCTGAACCAGGTA[A>C]GGACATCTAAATGTGATAAAAAAAAAAAAATTGGAGAAAGTGCTGATAAACATTGTCCTT-3'

ClinVar aggregate classification (germline): Uncertain significance (1 of 4 stars; one submission).

Submission:

Labcorp Genetics (formerly Invitae), Labcorp
Classification: Uncertain significance. Last evaluated: 2023-12-12. Review status: criteria provided, single submitter. Criteria: Invitae Variant Classification Sherloc (09022015). Collection method: clinical testing. Allele origin: germline.
Comment: This sequence change falls in intron 5 of the NSD1 gene. It does not directly change the encoded amino acid sequence of the NSD1 protein. It affects a nucleotide within the consensus splice site. This variant is not present in population databases (gnomAD no frequency). This variant has not been reported in the literature in individuals affected with NSD1-related conditions. Variants that disrupt the consensus splice site are a relatively common cause of aberrant splicing (PMID: 17576681, 9536098). Algorithms developed to predict the effect of sequence changes on RNA splicing suggest that this variant is not likely to affect RNA splicing. In summary, the available evidence is currently insufficient to determine the role of this variant in disease. Therefore, it has been classified as a Variant of Uncertain Significance.

Literature cited by the submitters: PubMed 17576681; PubMed 9536098.